The following is an entry in ClinVar:

NM_182914.3(SYNE2):c.7599A>G (p.Glu2533=)

Gene: SYNE2 (spectrin repeat containing nuclear envelope protein 2; plus strand). Cytogenetic location: 14q23.2.
Variant type: single nucleotide variant.
Coding change: c.7599A>G on transcript NM_182914.3 (MANE Select); coding-DNA position 7599, A replaced by G.
Protein change: p.Glu2533=; no amino-acid change (glutamic acid 2533 retained).
Molecular consequence: synonymous variant.
Genome position (GRCh38, 1-based): chr14:64,049,832, A>G. VCF-style: chr14-64049832-A-G. GRCh37 (hg19) VCF-style: chr14-64516550-A-G.
Other names: c.7599A>G, p.Glu2533= (NM_015180.6).
Identifiers: ClinVar variation 4874197 (VCV004874197.2).

ClinVar aggregate classification (germline): Likely benign (1 of 4 stars; one submission).

gnomAD v4.1: 1 of 1,614,152 alleles (0.000062%); highest among the groups gnomAD compares: South Asian, 0.0011%; no homozygotes.

Submission:

CeGaT Center for Human Genetics Tuebingen
Classification: Likely benign. Last evaluated: 2026-06-01. Review status: criteria provided, single submitter. Criteria: CeGaT Center For Human Genetics Tuebingen Variant Classification Criteria Version 2. Collection method: clinical testing. Allele origin: germline. Affected: yes. Observed: 1 variant allele.
Comment: SYNE2: BP4, BP7